The following is an entry in ClinVar:

NM_001367805.3(KIF23):c.1508A>G (p.Asn503Ser)

Gene: KIF23 (kinesin family member 23; plus strand). Cytogenetic location: 15q23.
Variant type: single nucleotide variant.
Coding change: c.1508A>G on transcript NM_001367805.3 (MANE Select); coding-DNA position 1508, A replaced by G.
Protein change: p.Asn503Ser; replaces asparagine 503 with serine.
Molecular consequence: missense variant. On other transcripts: non-coding transcript variant (2).
Genome position (GRCh38, 1-based): chr15:69,436,633, A>G. VCF-style: chr15-69436633-A-G. GRCh37 (hg19) VCF-style: chr15-69728972-A-G.
Other names: c.1136A>G, p.Asn379Ser (NM_001281301.2); c.1466A>G, p.Asn489Ser (NM_001367804.2, NM_004856.7, NM_138555.4); short protein forms N379S, N489S, N503S.
Identifiers: ClinVar variation 2597070 (VCV002597070.5), dbSNP rs762235059, ClinGen allele CA7635210.

ClinVar aggregate classification (germline): Uncertain significance. Review status: criteria provided, multiple submitters, no conflicts (2 of 4 stars). 3 submissions from 3 submitters: Uncertain significance (3). Last evaluated 2025-11-08.

Conditions:
Congenital dyserythropoietic anemia, type III (CDAN3A). Also called: ANEMIA WITH MULTINUCLEATED ERYTHROBLASTS; ERYTHRORETICULOSIS, HEREDITARY BENIGN; Dyserythropoietic anemia, congenital type 3. Identifiers: Orphanet 98870, MedGen C5676874, MONDO:0007109, OMIM 105600.

Allele frequency attached by ClinVar (database versions not stated): gnomAD 0.00001; TOPMed 0.00001; gnomAD exomes 0.00002; ExAC 0.00001.
gnomAD v4.1: 23 of 1,612,552 alleles (0.0014%); highest among the groups gnomAD compares: East Asian, 0.0067%; no homozygotes.

Submissions (3):

Ambry Genetics
Classification: Uncertain significance. Last evaluated: 2025-11-08. Review status: criteria provided, single submitter. Criteria: Ambry Variant Classification Scheme 2023. Collection method: clinical testing. Allele origin: germline.

Labcorp Genetics (formerly Invitae), Labcorp
Classification: Uncertain significance. Last evaluated: 2024-03-14. Review status: criteria provided, single submitter. Criteria: Invitae Variant Classification Sherloc (09022015). Collection method: clinical testing. Allele origin: germline.
Comment: This sequence change replaces asparagine, which is neutral and polar, with serine, which is neutral and polar, at codon 489 of the KIF23 protein (p.Asn489Ser). This variant is present in population databases (rs762235059, gnomAD 0.01%). This variant has not been reported in the literature in individuals affected with KIF23-related conditions. ClinVar contains an entry for this variant (Variation ID: 2597070). Advanced modeling of protein sequence and biophysical properties (such as structural, functional, and spatial information, amino acid conservation, physicochemical variation, residue mobility, and thermodynamic stability) performed at Invitae indicates that this missense variant is not expected to disrupt KIF23 protein function with a negative predictive value of 80%. In summary, the available evidence is currently insufficient to determine the role of this variant in disease. Therefore, it has been classified as a Variant of Uncertain Significance.

Fulgent Genetics
Classification: Uncertain significance for Congenital dyserythropoietic anemia, type III. Last evaluated: 2024-01-31. Review status: criteria provided, single submitter. Criteria: ACMG Guidelines, 2015. Collection method: clinical testing. Allele origin: germline.